The following is an entry in ClinVar:

ClinVar aggregate classification (germline): Uncertain significance (1 of 4 stars; one submission).

Conditions:
Baller-Gerold syndrome (BGS). Also called: CRANIOSYNOSTOSIS WITH RADIAL DEFECTS. Identifiers: Orphanet 1225, MedGen C0265308, MONDO:0009039, OMIM 218600.

Allele frequency attached by ClinVar (database versions not stated): TOPMed below 0.00001.

Submission:

Labcorp Genetics (formerly Invitae), Labcorp
Classification: Uncertain significance for Baller-Gerold syndrome. Last evaluated: 2024-04-08. Review status: criteria provided, single submitter. Criteria: Invitae Variant Classification Sherloc (09022015). Collection method: clinical testing. Allele origin: germline.
Comment: This sequence change affects the initiator methionine of the RECQL4 mRNA. The next in-frame methionine is located at codon 358. This variant is not present in population databases (gnomAD no frequency). Disruption of the initiator codon has been observed in individual(s) with RECQL4-related conditions (PMID: 31502745). ClinVar contains an entry for this variant (Variation ID: 945473). Experimental studies and prediction algorithms are not available or were not evaluated, and the functional significance of this variant is currently unknown. In summary, the available evidence is currently insufficient to determine the role of this variant in disease. Therefore, it has been classified as a Variant of Uncertain Significance.

Literature cited by the submitters: PubMed 31502745.

NM_004260.4(RECQL4):c.3G>T (p.Met1Ile)

Genes: RECQL4 (RecQ like helicase 4; minus strand), LOC130001411 (ATAC-STARR-seq lymphoblastoid silent region 19699; plus strand). Cytogenetic location: 8q24.3.
Variant type: single nucleotide variant.
Coding change: c.3G>T on transcript NM_004260.4 (MANE Select); coding-DNA position 3, G replaced by T.
Protein change: p.Met1Ile; changes the start codon (methionine 1).
Molecular consequence: missense variant, initiator codon variant.
Genome position (GRCh38, 1-based): chr8:144,517,782, C>A on the plus strand (G>T on the coding strand, the complement: RECQL4 is on the minus strand). VCF-style: chr8-144517782-C-A. GRCh37 (hg19) VCF-style: chr8-145743166-C-A.
Other names: short protein forms M1I.
Identifiers: ClinVar variation 945473 (VCV000945473.7), dbSNP rs1815451127, ClinGen allele CA372694041.